The following is an entry in ClinVar:

ClinVar aggregate classification (germline): Uncertain significance (1 of 4 stars; one submission).

Allele frequency attached by ClinVar (database versions not stated): TOPMed 0.00001; gnomAD exomes 0.00002 and 0.00006; ExAC 0.00004.
gnomAD v4.1: 14 of 1,614,150 alleles (0.00087%); highest among the groups gnomAD compares: Admixed American, 0.023%; no homozygotes.

Submission:

Labcorp Genetics (formerly Invitae), Labcorp
Classification: Uncertain significance. Last evaluated: 2026-01-31. Review status: criteria provided, single submitter. Criteria: Invitae Variant Classification Sherloc (09022015). Collection method: clinical testing. Allele origin: germline.
Comment: This sequence change replaces glycine, which is neutral and non-polar, with arginine, which is basic and polar, at codon 3394 of the KMT2A protein (p.Gly3394Arg). This variant is present in population databases (rs782235007, gnomAD 0.04%), and has an allele count higher than expected for a pathogenic variant. This variant has not been reported in the literature in individuals affected with KMT2A-related conditions. ClinVar contains an entry for this variant (Variation ID: 1496578). Invitae Evidence Modeling of protein sequence and biophysical properties (such as structural, functional, and spatial information, amino acid conservation, physicochemical variation, residue mobility, and thermodynamic stability) has been performed for this missense variant. However, the output from this modeling did not meet the statistical confidence thresholds required to predict the impact of this variant on KMT2A protein function. In summary, the available evidence is currently insufficient to determine the role of this variant in disease. Therefore, it has been classified as a Variant of Uncertain Significance.

NM_001197104.2(KMT2A):c.10180G>C (p.Gly3394Arg)

Gene: KMT2A (lysine methyltransferase 2A; plus strand). Cytogenetic location: 11q23.3.
Variant type: single nucleotide variant.
Coding change: c.10180G>C on transcript NM_001197104.2 (MANE Select); coding-DNA position 10180, G replaced by C.
Protein change: p.Gly3394Arg; replaces glycine 3394 with arginine.
Molecular consequence: missense variant.
Genome position (GRCh38, 1-based): chr11:118,506,072, G>C. VCF-style: chr11-118506072-G-C. GRCh37 (hg19) VCF-style: chr11-118376787-G-C.
Other names: c.10171G>C, p.Gly3391Arg (NM_005933.4); short protein forms G3391R, G3394R.
Identifiers: ClinVar variation 1496578 (VCV001496578.6), dbSNP rs782235007, ClinGen allele CA6304694.